The following is an entry in ClinVar:

ClinVar aggregate classification (germline): Uncertain significance. Review status: criteria provided, multiple submitters, no conflicts (2 of 4 stars). 2 submissions from 2 submitters: Uncertain significance (2). Last evaluated 2025-12-06.

Conditions:
Inborn genetic diseases. Identifiers: MedGen C0950123, MeSH D030342.

Allele frequency attached by ClinVar (database versions not stated): gnomAD 0.00007; TOPMed 0.00014.
gnomAD v4.1: 17 of 1,613,956 alleles (0.0011%); highest among the groups gnomAD compares: Admixed American, 0.025%; no homozygotes.

Submissions (2):

Labcorp Genetics (formerly Invitae), Labcorp
Classification: Uncertain significance. Last evaluated: 2025-12-06. Review status: criteria provided, single submitter. Criteria: Invitae Variant Classification Sherloc (09022015). Collection method: clinical testing. Allele origin: germline.
Comment: This sequence change replaces glycine, which is neutral and non-polar, with alanine, which is neutral and non-polar, at codon 124 of the C8B protein (p.Gly124Ala). This variant is not present in population databases (gnomAD no frequency). This variant has not been reported in the literature in individuals affected with C8B-related conditions. ClinVar contains an entry for this variant (Variation ID: 1001981). An algorithm developed to predict the effect of missense changes on protein structure and function (PolyPhen-2) suggests that this variant is likely to be disruptive. In summary, the available evidence is currently insufficient to determine the role of this variant in disease. Therefore, it has been classified as a Variant of Uncertain Significance.

Ambry Genetics
Classification: Uncertain significance for Inborn genetic diseases. Last evaluated: 2024-04-15. Review status: criteria provided, single submitter. Criteria: Ambry Variant Classification Scheme 2023. Collection method: clinical testing. Allele origin: germline.

NM_000066.4(C8B):c.371G>C (p.Gly124Ala)

Gene: C8B (complement C8 beta chain; minus strand). Cytogenetic location: 1p32.2.
Variant type: single nucleotide variant.
Coding change: c.371G>C on transcript NM_000066.4 (MANE Select); coding-DNA position 371, G replaced by C.
Protein change: p.Gly124Ala; replaces glycine 124 with alanine.
Molecular consequence: missense variant.
Genome position (GRCh38, 1-based): chr1:56,956,789, C>G on the plus strand (G>C on the coding strand, the complement: C8B is on the minus strand). VCF-style: chr1-56956789-C-G. GRCh37 (hg19) VCF-style: chr1-57422462-C-G.
Other names: c.371G>C (NM_000066.2); c.215G>C, p.Gly72Ala (NM_001278543.2); c.185G>C, p.Gly62Ala (NM_001278544.2); short protein forms G124A, G62A, G72A.
Identifiers: ClinVar variation 1001981 (VCV001001981.5), dbSNP rs888935609, ClinGen allele CA22833014.